The following is an entry in ClinVar:

NM_144508.5(KNL1):c.6482A>G (p.Asp2161Gly)

Gene: KNL1 (kinetochore scaffold 1; plus strand). Cytogenetic location: 15q15.1.
Variant type: single nucleotide variant.
Coding change: c.6482A>G on transcript NM_144508.5 (MANE Select); coding-DNA position 6482, A replaced by G.
Protein change: p.Asp2161Gly; replaces aspartic acid 2161 with glycine.
Molecular consequence: missense variant.
Genome position (GRCh38, 1-based): chr15:40,654,975, A>G. VCF-style: chr15-40654975-A-G. GRCh37 (hg19) VCF-style: chr15-40947173-A-G.
Other names: D2178G; c.6560A>G, p.Asp2187Gly (NM_170589.5); short protein forms D2187G, D2161G.
Identifiers: ClinVar variation 210577 (VCV000210577.21), dbSNP rs142872154, ClinGen allele CA209456.
Genomic context (GRCh38, chr15:40,654,975, plus strand): 5'-TCCCTTTCCTGGACAAGCGTTATAGGAAGATTGTTGATGTCAATTTTCAATCTCTGTTAG[A>G]TGGTAAGTAGAAAACATTTAAGCCTCTAAAAATTTGTTGGGGCTGGGCACTATGGCTCAT-3'
Protein context (NP_653091.3, residues 2151-2171): IVDVNFQSLL[Asp2161Gly]EDQAPPSSLL

ClinVar aggregate classification (germline): Conflicting classifications of pathogenicity. Review status: criteria provided, conflicting classifications (1 of 4 stars). 8 submissions from 8 submitters: Uncertain significance (6); Likely benign (1). 1 of the submissions does not count toward it. Last evaluated 2024-11-07.

Conditions:
Microcephaly 4, primary, autosomal recessive. Identifiers: Orphanet 2512, MedGen C1858516, MONDO:0011437, OMIM 604321.

Allele frequency attached by ClinVar (database versions not stated): gnomAD 0.00092 and 0.00097; 1000 Genomes Project 30x 0.00094; TOPMed 0.00102; 1000 Genomes Project 0.00120; gnomAD exomes 0.00010 and 0.00026; ExAC 0.00030; ESP Exome Variant Server 0.00068.
gnomAD v4.1: 301 of 1,611,174 alleles (0.019%); highest among the groups gnomAD compares: African/African-American, 0.34%; 2 homozygotes.

Submissions (8):

GeneDx
Classification: Uncertain significance. Last evaluated: 2024-11-07. Review status: criteria provided, single submitter. Criteria: GeneDx Variant Classification Process June 2021. Collection method: clinical testing. Allele origin: germline. Affected: yes.
Comment: In silico analysis supports that this missense variant has a deleterious effect on protein structure/function; This variant is associated with the following publications: (PMID: 28901661, 22983954, 27149178, 36474027)

Blueprint Genetics
Classification: Uncertain significance. Last evaluated: 2024-09-13. Review status: criteria provided, single submitter. Criteria: ACMG Guidelines, 2015. Collection method: clinical testing. Allele origin: germline.

Daryl Scott Lab, Baylor College of Medicine
Classification: Uncertain significance for Microcephaly 4, primary, autosomal recessive. Last evaluated: 2022-02-01. Review status: criteria provided, single submitter. Criteria: ACMG Guidelines, 2015. Collection method: clinical testing. Allele origin: unknown. Observed: 1 variant allele, 1 compound heterozygote.

Labcorp Genetics (formerly Invitae), Labcorp
Classification: Likely benign. Last evaluated: 2019-12-31. Review status: criteria provided, single submitter. Criteria: Invitae Variant Classification Sherloc (09022015). Collection method: clinical testing. Allele origin: germline.

Baylor Genetics
Classification: Uncertain significance for Microcephaly 4, primary, autosomal recessive. Last evaluated: 2019-12-24. Review status: criteria provided, single submitter. Criteria: ACMG Guidelines, 2015. Collection method: clinical testing. Allele origin: unknown. Affected: yes.
Comment: This variant was determined to be of uncertain significance according to ACMG Guidelines, 2015 [PMID:25741868].

Molecular Genetics Pathology Laboratory, University Of Arkansas for Medical Sciences
Classification: Uncertain significance for Microcephaly 4, primary, autosomal recessive. Last evaluated: 2015-10-26. Review status: criteria provided, single submitter. Criteria: ACMG Guidelines, 2015. Collection method: clinical testing. Allele origin: maternal. Inheritance: Autosomal recessive inheritance. Affected: yes. Observed: 1 compound heterozygote. Segregation with disease observed.
Comment: The c. 6560A>G is classified as of unknown significance. Per ACMG criteria, it does have silico prediction criteria PP3. The variant is predicted pathogenic by SIFT, Mutation tasting, Provean (-3.624), and PolyPhen-2 (0.999). The physiochemical difference between Aspartic acid and Glycine is moderate (Grantham score=94) and amino acid analysis conservation by Alamut indicates that the wild type amino acid is moderately conserved. The c.6560A>G variant is very rare in the general population, but particularly found in patients of African ancestry with a reported heterozygous median allele frequency of 0.0034 (33/9694 alleles) in the Exome Aggregation Consortium and 0.0022 (8/3660) in the Exome Variant Server for people of this ancestry.

Genetic Services Laboratory, University of Chicago
Classification: Uncertain significance. Last evaluated: 2014-06-26. Review status: criteria provided, single submitter. Criteria: ACMG Guidelines, 2015. Collection method: clinical testing. Allele origin: germline.

OMIM
Classification: Pathogenic for MICROCEPHALY 4, PRIMARY, AUTOSOMAL RECESSIVE. Last evaluated: 2018-02-19. Review status: no assertion criteria provided. Collection method: literature only. Allele origin: germline. Not counted in ClinVar's aggregate classification.

Literature cited by the submitters: PubMed 36474027 (cited by Daryl Scott Lab, Baylor College of Medicine); PubMed 22983954 (cited by Molecular Genetics Pathology Laboratory, University Of Arkansas for Medical Sciences); PubMed 27149178 (cited by OMIM).